The following is an entry in ClinVar:

NM_001040108.2(MLH3):c.3262G>A (p.Asp1088Asn)

Gene: MLH3 (mutL homolog 3; minus strand). Cytogenetic location: 14q24.3.
Variant type: single nucleotide variant.
Coding change: c.3262G>A on transcript NM_001040108.2 (MANE Select); coding-DNA position 3262, G replaced by A.
Protein change: p.Asp1088Asn; replaces aspartic acid 1088 with asparagine.
Molecular consequence: missense variant.
Genome position (GRCh38, 1-based): chr14:75,046,394, C>T on the plus strand (G>A on the coding strand, the complement: MLH3 is on the minus strand). VCF-style: chr14-75046394-C-T. GRCh37 (hg19) VCF-style: chr14-75513097-C-T.
Other names: c.3262G>A, p.Asp1088Asn (NM_014381.3); short protein forms D1088N.
Identifiers: ClinVar variation 2625678 (VCV002625678.2), dbSNP rs1892221117, ClinGen allele CA390434181.

ClinVar aggregate classification (germline): Uncertain significance (1 of 4 stars; one submission).

Allele frequency attached by ClinVar (database versions not stated): TOPMed 0.00001.

Submission:

Ambry Genetics
Classification: Uncertain significance. Last evaluated: 2023-09-11. Review status: criteria provided, single submitter. Criteria: Ambry Variant Classification Scheme 2023. Collection method: clinical testing. Allele origin: germline.
Comment: The p.D1088N variant (also known as c.3262G>A), located in coding exon 1 of the MLH3 gene, results from a G to A substitution at nucleotide position 3262. The aspartic acid at codon 1088 is replaced by asparagine, an amino acid with highly similar properties. This amino acid position is conserved. In addition, this alteration is predicted to be tolerated by in silico analysis. Since supporting evidence is limited at this time, the clinical significance of this alteration remains unclear.